The following is an entry in ClinVar:

ClinVar aggregate classification (germline): Likely benign. Review status: criteria provided, multiple submitters, no conflicts (2 of 4 stars). 2 submissions from 2 submitters: Likely benign (2). Last evaluated 2025-04-28.

Conditions:
Cone-rod dystrophy 13 (CORD13). Identifiers: Orphanet 1872, MedGen C2750720, MONDO:0011987, OMIM 608194.
Leber congenital amaurosis 6 (LCA6). Identifiers: Orphanet 65, MedGen C1854260, MONDO:0013446, OMIM 613826.
RPGRIP1-related disorder. Also called: RPGRIP1-related condition.

Allele frequency attached by ClinVar (database versions not stated): gnomAD 0.00002.
gnomAD v4.1: 11 of 1,590,968 alleles (0.00069%); highest among the groups gnomAD compares: East Asian, 0.0023%; no homozygotes.

Submissions (2):

Labcorp Genetics (formerly Invitae), Labcorp
Classification: Likely benign for Leber congenital amaurosis 6; Cone-rod dystrophy 13. Last evaluated: 2025-04-28. Review status: criteria provided, single submitter. Criteria: Invitae Variant Classification Sherloc (09022015). Collection method: clinical testing. Allele origin: germline.

PreventionGenetics, part of Exact Sciences
Classification: Likely benign for RPGRIP1-related condition. Last evaluated: 2025-04-10. Review status: criteria provided, single submitter. Criteria: ACMG Guidelines, 2015. Collection method: clinical testing. Allele origin: germline.
Comment: This variant is classified as likely benign based on ACMG/AMP sequence variant interpretation guidelines (Richards et al. 2015 PMID: 25741868, with internal and published modifications).

NM_020366.4(RPGRIP1):c.468G>A (p.Pro156=)

Gene: RPGRIP1 (RPGR interacting protein 1; plus strand). Cytogenetic location: 14q11.2.
Variant type: single nucleotide variant.
Coding change: c.468G>A on transcript NM_020366.4 (MANE Select); coding-DNA position 468, G replaced by A.
Protein change: p.Pro156=; no amino-acid change (proline 156 retained).
Molecular consequence: synonymous variant.
Genome position (GRCh38, 1-based): chr14:21,301,215, G>A. VCF-style: chr14-21301215-G-A. GRCh37 (hg19) VCF-style: chr14-21769374-G-A.
Other names: c.468G>A (NM_020366.3).
Identifiers: ClinVar variation 1670046 (VCV001670046.9), dbSNP rs1486358089, ClinGen allele CA484986104.